The following is an entry in ClinVar:

ClinVar aggregate classification (germline): Uncertain significance (1 of 4 stars; one submission).

Submission:

Labcorp Genetics (formerly Invitae), Labcorp
Classification: Uncertain significance. Last evaluated: 2023-04-15. Review status: criteria provided, single submitter. Criteria: Invitae Variant Classification Sherloc (09022015). Collection method: clinical testing. Allele origin: germline.
Comment: This sequence change replaces glutamic acid, which is acidic and polar, with lysine, which is basic and polar, at codon 1273 of the GRIN2D protein (p.Glu1273Lys). This variant is not present in population databases (gnomAD no frequency). In summary, the available evidence is currently insufficient to determine the role of this variant in disease. Therefore, it has been classified as a Variant of Uncertain Significance. Advanced modeling of protein sequence and biophysical properties (such as structural, functional, and spatial information, amino acid conservation, physicochemical variation, residue mobility, and thermodynamic stability) performed at Invitae indicates that this missense variant is not expected to disrupt GRIN2D protein function. This variant has not been reported in the literature in individuals affected with GRIN2D-related conditions.

NM_000836.4(GRIN2D):c.3817G>A (p.Glu1273Lys)

Gene: GRIN2D (glutamate ionotropic receptor NMDA type subunit 2D; plus strand). Cytogenetic location: 19q13.33.
Variant type: single nucleotide variant.
Coding change: c.3817G>A on transcript NM_000836.4 (MANE Select); coding-DNA position 3817, G replaced by A.
Protein change: p.Glu1273Lys; replaces glutamic acid 1273 with lysine.
Molecular consequence: missense variant.
Genome position (GRCh38, 1-based): chr19:48,443,743, G>A. VCF-style: chr19-48443743-G-A. GRCh37 (hg19) VCF-style: chr19-48947000-G-A.
Other names: short protein forms E1273K.
Identifiers: ClinVar variation 2784627 (VCV002784627.3), dbSNP rs2513694175, ClinGen allele CA406678386.